The following is an entry in ClinVar:

ClinVar aggregate classification (germline): Pathogenic. Review status: criteria provided, multiple submitters, no conflicts (2 of 4 stars). 4 submissions from 4 submitters: Pathogenic (4). Last evaluated 2025-08-21.

Conditions:
Duchenne muscular dystrophy (DMD). Also called: Duchenne Muscular Dystrophy (DMD); MUSCULAR DYSTROPHY, PSEUDOHYPERTROPHIC PROGRESSIVE, DUCHENNE TYPE. Identifiers: Orphanet 98896, MedGen C0013264, MONDO:0010679, OMIM 310200.
Calf muscle hypertrophy. Identifiers: MedGen C1843057, HP:0008981.
Proximal lower limb muscle weakness. Identifiers: MedGen C1866010, HP:0008994.
Motor delay. Also called: Motor retardation; Motor Developmental Delay. Identifiers: MedGen C1854301, HP:0001270.

Submissions (4):

Labcorp Genetics (formerly Invitae), Labcorp
Classification: Pathogenic for Duchenne muscular dystrophy. Last evaluated: 2025-08-21. Review status: criteria provided, single submitter. Criteria: Invitae Variant Classification Sherloc (09022015). Collection method: clinical testing. Allele origin: germline.
Comment: This sequence change creates a premature translational stop signal (p.Leu3376*) in the DMD gene. It is expected to result in an absent or disrupted protein product. Loss-of-function variants in DMD are known to be pathogenic (PMID: 16770791, 25007885). This variant is not present in population databases (gnomAD no frequency). This premature translational stop signal has been observed in individuals with Duchenne or Becker muscular dystrophy (PMID: 7581396, 27593222). This variant is also known as 10334delC. ClinVar contains an entry for this variant (Variation ID: 287624). For these reasons, this variant has been classified as Pathogenic.

ARUP Laboratories, Molecular Genetics and Genomics, ARUP Laboratories
Classification: Pathogenic. Last evaluated: 2019-11-22. Review status: criteria provided, single submitter. Criteria: ARUP Molecular Germline Variant Investigation Process. Collection method: clinical testing. Allele origin: germline.
Comment: The DMD c.10126delC; p.Leu3376Ter variant (rs886043676) is reported in the literature in several individuals affected with DMD or BMD (Tuffery 1995, Cho 2017). This variant is reported as pathogenic in ClinVar (Variation ID: 287624). This variant is also absent from general population databases (Exome Variant Server, Genome Aggregation Database), indicating it is not a common polymorphism. This variant induces an early termination codon and is predicted to result in a truncated protein or mRNA subject to nonsense-mediated decay. Based on available information, this variant is considered to be pathogenic. References: Cho A et al. Consecutive analysis of mutation spectrum in the dystrophin gene of 507 Korean boys with Duchenne/Becker muscular dystrophy in a single center. Muscle Nerve. 2017 May;55(5):727-734. Tuffery S et al. Protein truncation test: analysis of two novel point mutations at the carboxy-terminus of the human dystrophin gene associated with mental retardation. Hum Mutat. 1995;6(2):126-35.

Centre for Mendelian Genomics, University Medical Centre Ljubljana
Classification: Pathogenic for Calf muscle hypertrophy; Motor delay; Proximal lower limb muscle weakness. Last evaluated: 2017-01-01. Review status: criteria provided, single submitter. Criteria: ACMG Guidelines, 2015. Collection method: clinical testing. Allele origin: unknown. Affected: yes.

Eurofins Ntd Llc (ga)
Classification: Pathogenic. Last evaluated: 2016-05-06. Review status: criteria provided, single submitter. Criteria: EGL Classification Definitions 2015. Collection method: clinical testing. Allele origin: germline. Observed: 2 variant alleles, 1 heterozygote, 1 hemizygote.

Literature cited by the submitters: PubMed 16770791 (cited by Labcorp Genetics (formerly Invitae), Labcorp); PubMed 25007885 (cited by Labcorp Genetics (formerly Invitae), Labcorp); PubMed 7581396 (cited by Labcorp Genetics (formerly Invitae), Labcorp and Eurofins Ntd Llc (ga)); PubMed 27593222 (cited by Labcorp Genetics (formerly Invitae), Labcorp); PubMed 17041906 (cited by Eurofins Ntd Llc (ga)); PubMed 21969337 (cited by Eurofins Ntd Llc (ga)).

NM_004006.3(DMD):c.10126del (p.Val3375_Leu3376insTer)

Gene: DMD (dystrophin; minus strand). Cytogenetic location: Xp21.2.
Variant type: Deletion.
Coding change: c.10126del on transcript NM_004006.3 (MANE Select); coding-DNA position 10126, one base deleted (C; older notation c.10126delC).
Protein change: p.Val3375_Leu3376insTer.
Molecular consequence: nonsense.
Genome position (GRCh38, 1-based): chrX:31,178,766, G deleted on the plus strand (C on the coding strand, the reverse complement: DMD is on the minus strand). VCF-style (leftmost placement, unchanged base first): chrX-31178765-AG-A. GRCh37 (hg19) VCF-style: chrX-31196882-AG-A.
Other names: c.2746del, p.Val915_Leu916insTer (NM_004013.3, NM_004020.4, NM_004021.3 and 2 more transcripts); c.1939del, p.Val646_Leu647insTer (NM_004014.3); c.922del, p.Val307_Leu308insTer (NM_004015.3, NM_004016.3, NM_004017.3 and 2 more transcripts); c.10102del, p.Val3367_Leu3368insTer (NM_000109.4); c.10114del, p.Val3371_Leu3372insTer (NM_004009.3); c.9757del, p.Val3252_Leu3253insTer (NM_004010.3); c.6103del, p.Val2034_Leu2035insTer (NM_004011.4); c.6094del, p.Val2031_Leu2032insTer (NM_004012.4).
Identifiers: ClinVar variation 287624 (VCV000287624.22), dbSNP rs886043676, ClinGen allele CA10605812.